The following is an entry in ClinVar:

ClinVar aggregate classification (germline): Uncertain significance (1 of 4 stars; one submission).

Conditions:
Cardiovascular phenotype. Identifiers: MedGen CN230736.

Submission:

Ambry Genetics
Classification: Uncertain significance for Cardiovascular phenotype. Last evaluated: 2025-02-22. Review status: criteria provided, single submitter. Criteria: Ambry Variant Classification Scheme 2023. Collection method: clinical testing. Allele origin: germline.
Comment: The p.S2187Y variant (also known as c.6560C>A), located in coding exon 18 of the TNXB gene, results from a C to A substitution at nucleotide position 6560. The serine at codon 2187 is replaced by tyrosine, an amino acid with dissimilar properties. This amino acid position is conserved. In addition, this alteration is predicted to be tolerated by in silico analysis. Based on the available evidence, the clinical significance of this variant remains unclear.

NM_001365276.2(TNXB):c.6560C>A (p.Ser2187Tyr)

Gene: TNXB (tenascin XB; minus strand). Cytogenetic location: 6p21.33.
Variant type: single nucleotide variant.
Coding change: c.6560C>A on transcript NM_001365276.2 (MANE Select); coding-DNA position 6560, C replaced by A.
Protein change: p.Ser2187Tyr; replaces serine 2187 with tyrosine.
Molecular consequence: missense variant.
Genome position (GRCh38, 1-based): chr6:32,065,102, G>T on the plus strand (C>A on the coding strand, the complement: TNXB is on the minus strand). VCF-style: chr6-32065102-G-T. GRCh37 (hg19) VCF-style: chr6-32032879-G-T.
Other names: c.7301C>A, p.Ser2434Tyr (NM_001428335.1); c.6560C>A, p.Ser2187Tyr (NM_019105.8); short protein forms S2434Y, S2187Y.
Identifiers: ClinVar variation 3809365 (VCV003809365.1).